The following is an entry in ClinVar:

NM_001844.5(COL2A1):c.1092T>C (p.Gly364=)

Gene: COL2A1 (collagen type II alpha 1 chain; minus strand). Cytogenetic location: 12q13.11.
Variant type: single nucleotide variant.
Coding change: c.1092T>C on transcript NM_001844.5 (MANE Select); coding-DNA position 1092, T replaced by C.
Protein change: p.Gly364=; no amino-acid change (glycine 364 retained).
Molecular consequence: synonymous variant.
Genome position (GRCh38, 1-based): chr12:47,989,258, A>G on the plus strand (T>C on the coding strand, the complement: COL2A1 is on the minus strand). VCF-style: chr12-47989258-A-G. GRCh37 (hg19) VCF-style: chr12-48383041-A-G.
Other names: c.885T>C, p.Gly295= (NM_033150.3).
Identifiers: ClinVar variation 1203049 (VCV001203049.11), dbSNP rs778214645, ClinGen allele CA6535608.
Genomic context (GRCh38, chr12:47,989,258, plus strand): 5'-AAGTTCCTGACTGGACAACAGGGCACGTACCTTGGCTCCAGGAGCACCAGGGAAGCCAGG[A>G]CCACCAGCAGGACCGACAGGACCCTGGAGAGAGTAGGCGGATGAGAAGAGAGGTGAATGC-3'
Protein context (NP_001835.3, residues 354-374): GPPGPVGPAG[Gly364=]PGFPGAPGAK

ClinVar aggregate classification (germline): Likely benign. Review status: criteria provided, multiple submitters, no conflicts (2 of 4 stars). 2 submissions from 2 submitters: Likely benign (2). Last evaluated 2025-03-12.

Allele frequency attached by ClinVar (database versions not stated): ExAC 0.00001; gnomAD 0.00001; gnomAD exomes 0.00001 and 0.00003; TOPMed 0.00002.
gnomAD v4.1: 9 of 1,613,008 alleles (0.00056%); highest among the groups gnomAD compares: Admixed American, 0.013%; no homozygotes.

Submissions (2):

Labcorp Genetics (formerly Invitae), Labcorp
Classification: Likely benign. Last evaluated: 2025-03-12. Review status: criteria provided, single submitter. Criteria: Invitae Variant Classification Sherloc (09022015). Collection method: clinical testing. Allele origin: germline.

GeneDx
Classification: Likely benign. Last evaluated: 2020-07-20. Review status: criteria provided, single submitter. Criteria: GeneDx Variant Classification Process June 2021. Collection method: clinical testing. Allele origin: germline. Affected: yes.
Comment: In silico analysis, which includes protein predictors and evolutionary conservation, supports that this variant does not alter protein structure/function; Has not been previously published as pathogenic or benign to our knowledge